The following is an entry in ClinVar:

NM_006904.7(PRKDC):c.305C>A (p.Pro102His)

Gene: PRKDC (protein kinase, DNA-activated, catalytic subunit; minus strand). Cytogenetic location: 8q11.21.
Variant type: single nucleotide variant.
Coding change: c.305C>A on transcript NM_006904.7 (MANE Select); coding-DNA position 305, C replaced by A.
Protein change: p.Pro102His; replaces proline 102 with histidine.
Molecular consequence: missense variant.
Genome position (GRCh38, 1-based): chr8:47,957,190, G>T on the plus strand (C>A on the coding strand, the complement: PRKDC is on the minus strand). VCF-style: chr8-47957190-G-T. GRCh37 (hg19) VCF-style: chr8-48869750-G-T.
Other names: c.305C>A, p.Pro102His (NM_001081640.2); short protein forms P102H.
Identifiers: ClinVar variation 4744069 (VCV004744069.1).

ClinVar aggregate classification (germline): Uncertain significance (1 of 4 stars; one submission).

Conditions:
Severe combined immunodeficiency due to DNA-PKcs deficiency. Also called: IMMUNODEFICIENCY 26 WITH NEUROLOGIC ABNORMALITIES; Immunodeficiency 26 with or without neurologic abnormalities. Identifiers: Orphanet 317425, MedGen C4014833, MONDO:0014423, OMIM 615966.

Submission:

Labcorp Genetics (formerly Invitae), Labcorp
Classification: Uncertain significance for Severe combined immunodeficiency due to DNA-PKcs deficiency. Last evaluated: 2025-04-30. Review status: criteria provided, single submitter. Criteria: Invitae Variant Classification Sherloc (09022015). Collection method: clinical testing. Allele origin: germline.
Comment: This sequence change replaces proline, which is neutral and non-polar, with histidine, which is basic and polar, at codon 102 of the PRKDC protein (p.Pro102His). This variant is not present in population databases (gnomAD no frequency). This variant has not been reported in the literature in individuals affected with PRKDC-related conditions. Invitae Evidence Modeling of protein sequence and biophysical properties (such as structural, functional, and spatial information, amino acid conservation, physicochemical variation, residue mobility, and thermodynamic stability) indicates that this missense variant is not expected to disrupt PRKDC protein function with a negative predictive value of 80%. In summary, the available evidence is currently insufficient to determine the role of this variant in disease. Therefore, it has been classified as a Variant of Uncertain Significance.